The following is an entry in ClinVar:

ClinVar aggregate classification (germline): Uncertain significance. Review status: criteria provided, multiple submitters, no conflicts (2 of 4 stars). 2 submissions from 2 submitters: Uncertain significance (2). Last evaluated 2024-07-18.

Conditions:
Ataxia-telangiectasia-like disorder (ATLD). Identifiers: MedGen C1858391, MONDO:0011457.
Hereditary cancer-predisposing syndrome. Also called: Hereditary neoplastic syndrome; Neoplastic Syndromes, Hereditary; Tumor predisposition; Hereditary Cancer Syndrome. Identifiers: Orphanet 140162, MedGen C0027672, MeSH D009386, MONDO:0015356.

Submissions (2):

Ambry Genetics
Classification: Uncertain significance for Hereditary cancer-predisposing syndrome. Last evaluated: 2024-07-18. Review status: criteria provided, single submitter. Criteria: Ambry Variant Classification Scheme 2023. Collection method: clinical testing. Allele origin: germline.
Comment: The p.H73Y variant (also known as c.217C>T), located in coding exon 3 of the MRE11A gene, results from a C to T substitution at nucleotide position 217. The histidine at codon 73 is replaced by tyrosine, an amino acid with similar properties. This amino acid position is conserved. In addition, the in silico prediction for this alteration is inconclusive. Based on the available evidence, the clinical significance of this variant remains unclear.

Labcorp Genetics (formerly Invitae), Labcorp
Classification: Uncertain significance for Ataxia-telangiectasia-like disorder. Last evaluated: 2020-07-07. Review status: criteria provided, single submitter. Criteria: Invitae Variant Classification Sherloc (09022015). Collection method: clinical testing. Allele origin: germline.
Comment: In summary, the available evidence is currently insufficient to determine the role of this variant in disease. Therefore, it has been classified as a Variant of Uncertain Significance. Algorithms developed to predict the effect of missense changes on protein structure and function (SIFT, PolyPhen-2, Align-GVGD) all suggest that this variant is likely to be tolerated, but these predictions have not been confirmed by published functional studies and their clinical significance is uncertain. This variant has not been reported in the literature in individuals with MRE11-related conditions. This variant is not present in population databases (ExAC no frequency). This sequence change replaces histidine with tyrosine at codon 73 of the MRE11 protein (p.His73Tyr). The histidine residue is highly conserved and there is a moderate physicochemical difference between histidine and tyrosine.

NM_005591.4(MRE11):c.217C>T (p.His73Tyr)

Gene: MRE11 (MRE11 double strand break repair nuclease; minus strand). Cytogenetic location: 11q21.
Variant type: single nucleotide variant.
Coding change: c.217C>T on transcript NM_005591.4 (MANE Select); coding-DNA position 217, C replaced by T.
Protein change: p.His73Tyr; replaces histidine 73 with tyrosine.
Molecular consequence: missense variant.
Genome position (GRCh38, 1-based): chr11:94,486,021, G>A on the plus strand (C>T on the coding strand, the complement: MRE11 is on the minus strand). VCF-style: chr11-94486021-G-A. GRCh37 (hg19) VCF-style: chr11-94219187-G-A.
Other names: c.217C>T (NM_005591.3); c.217C>T, p.His73Tyr (NM_001330347.2, NM_005590.4); short protein forms H73Y.
Identifiers: ClinVar variation 1003975 (VCV001003975.9), dbSNP rs1023372148, ClinGen allele CA226541862.